The following is an entry in ClinVar:

NM_198253.3(TERT):c.583A>G (p.Arg195Gly)

Gene: TERT (telomerase reverse transcriptase; minus strand). Cytogenetic location: 5p15.33.
Variant type: single nucleotide variant.
Coding change: c.583A>G on transcript NM_198253.3 (MANE Select); coding-DNA position 583, A replaced by G.
Protein change: p.Arg195Gly; replaces arginine 195 with glycine.
Molecular consequence: missense variant. On other transcripts: non-coding transcript variant (2).
Genome position (GRCh38, 1-based): chr5:1,294,303, T>C on the plus strand (A>G on the coding strand, the complement: TERT is on the minus strand). VCF-style: chr5-1294303-T-C. GRCh37 (hg19) VCF-style: chr5-1294418-T-C.
Other names: c.583A>G, p.Arg195Gly (NM_001193376.3, NM_003219.1); short protein forms R195G.
Identifiers: ClinVar variation 1929383 (VCV001929383.6), dbSNP rs1579598197, ClinGen allele CA359057326.

ClinVar aggregate classification (germline): Uncertain significance. Review status: criteria provided, multiple submitters, no conflicts (2 of 4 stars). 2 submissions from 2 submitters: Uncertain significance (2). Last evaluated 2024-11-21.

Conditions:
Idiopathic Pulmonary Fibrosis. Also called: Idiopathic fibrosing alveolitis, chronic form; idiopathic fibrosing alveolitis. Identifiers: Orphanet 2032, MedGen C1800706, MeSH D054990, MONDO:0800504.
Dyskeratosis congenita, autosomal dominant 2. Identifiers: MedGen C3151443, MONDO:0013521, OMIM 613989.
Dyskeratosis congenita. Identifiers: Orphanet 1775, MedGen C0265965, MONDO:0015780.

Submissions (2):

Ambry Genetics
Classification: Uncertain significance for Dyskeratosis congenita. Last evaluated: 2024-11-21. Review status: criteria provided, single submitter. Criteria: Ambry Variant Classification Scheme 2023. Collection method: clinical testing. Allele origin: germline.
Comment: The p.R195G variant (also known as c.583A>G), located in coding exon 2 of the TERT gene, results from an A to G substitution at nucleotide position 583. The arginine at codon 195 is replaced by glycine, an amino acid with dissimilar properties. This amino acid position is conserved. In addition, this alteration is predicted to be tolerated by in silico analysis. Based on the available evidence, the clinical significance of this variant remains unclear.

Labcorp Genetics (formerly Invitae), Labcorp
Classification: Uncertain significance for Dyskeratosis congenita, autosomal dominant 2; Idiopathic Pulmonary Fibrosis. Last evaluated: 2022-10-05. Review status: criteria provided, single submitter. Criteria: Invitae Variant Classification Sherloc (09022015). Collection method: clinical testing. Allele origin: germline.
Comment: In summary, the available evidence is currently insufficient to determine the role of this variant in disease. Therefore, it has been classified as a Variant of Uncertain Significance. This variant has not been reported in the literature in individuals affected with TERT-related conditions. This variant is not present in population databases (gnomAD no frequency). This sequence change replaces arginine, which is basic and polar, with glycine, which is neutral and non-polar, at codon 195 of the TERT protein (p.Arg195Gly). Advanced modeling of protein sequence and biophysical properties (such as structural, functional, and spatial information, amino acid conservation, physicochemical variation, residue mobility, and thermodynamic stability) performed at Invitae indicates that this missense variant is not expected to disrupt TERT protein function.